The following is an entry in ClinVar:

NM_001127208.3(TET2):c.656A>G (p.Glu219Gly)

Genes: TET2 (tet methylcytosine dioxygenase 2; plus strand), TET2-AS1 (TET2 antisense RNA 1; minus strand). Cytogenetic location: 4q24.
Variant type: single nucleotide variant.
Coding change: c.656A>G on transcript NM_001127208.3 (MANE Select); coding-DNA position 656, A replaced by G.
Protein change: p.Glu219Gly; replaces glutamic acid 219 with glycine.
Molecular consequence: missense variant.
Genome position (GRCh38, 1-based): chr4:105,234,598, A>G. VCF-style: chr4-105234598-A-G. GRCh37 (hg19) VCF-style: chr4-106155755-A-G.
Other names: c.656A>G, p.Glu219Gly (NM_017628.4); short protein forms E219G.
Identifiers: ClinVar variation 4182988 (VCV004182988.1).
Genomic context (GRCh38, chr4:105,234,598, plus strand): 5'-TACTTAAAAACAAGGCAGTGCTAATGCCTAATGGTGCTACAGTTTCTGCCTCTTCCGTGG[A>G]ACACACACATGGTGAACTCCTGGAAAAAACACTGTCTCAATATTATCCAGATTGTGTTTC-3'
Protein context (NP_001120680.1, residues 209-229): NGATVSASSV[Glu219Gly]HTHGELLEKT

ClinVar aggregate classification (germline): Uncertain significance (1 of 4 stars; one submission).

gnomAD v4.1: 1 of 1,614,144 alleles (0.000062%); highest among the groups gnomAD compares: South Asian, 0.0011%; no homozygotes.

Submission:

Ambry Genetics
Classification: Uncertain significance. Last evaluated: 2025-07-25. Review status: criteria provided, single submitter. Criteria: Ambry Variant Classification Scheme 2023. Collection method: clinical testing. Allele origin: germline.
Comment: The p.E219G variant (also known as c.656A>G), located in coding exon 1 of the TET2 gene, results from an A to G substitution at nucleotide position 656. The glutamic acid at codon 219 is replaced by glycine, an amino acid with similar properties. This amino acid position is conserved. In addition, this alteration is predicted to be tolerated by in silico analysis. Based on the available evidence, the clinical significance of this variant remains unclear.